The following is an entry in ClinVar:

NM_001040108.2(MLH3):c.1549C>G (p.His517Asp)

Gene: MLH3 (mutL homolog 3; minus strand). Cytogenetic location: 14q24.3.
Variant type: single nucleotide variant.
Coding change: c.1549C>G on transcript NM_001040108.2 (MANE Select); coding-DNA position 1549, C replaced by G.
Protein change: p.His517Asp; replaces histidine 517 with aspartic acid.
Molecular consequence: missense variant.
Genome position (GRCh38, 1-based): chr14:75,048,107, G>C on the plus strand (C>G on the coding strand, the complement: MLH3 is on the minus strand). VCF-style: chr14-75048107-G-C. GRCh37 (hg19) VCF-style: chr14-75514810-G-C.
Other names: c.1549C>G, p.His517Asp (NM_014381.3); short protein forms H517D.
Identifiers: ClinVar variation 1979606 (VCV001979606.4), dbSNP rs2139580991, ClinGen allele CA390445117.

ClinVar aggregate classification (germline): Uncertain significance (1 of 4 stars; one submission).

Conditions:
Colorectal cancer, hereditary nonpolyposis, type 7. Identifiers: Orphanet 144, MedGen C1858380, MONDO:0013725, OMIM 614385.

gnomAD v4.1: 3 of 1,614,184 alleles (0.00019%); highest among the groups gnomAD compares: Non-Finnish European, 0.00025%; no homozygotes.

Submission:

Labcorp Genetics (formerly Invitae), Labcorp
Classification: Uncertain significance for Colorectal cancer, hereditary nonpolyposis, type 7. Last evaluated: 2023-12-23. Review status: criteria provided, single submitter. Criteria: Invitae Variant Classification Sherloc (09022015). Collection method: clinical testing. Allele origin: germline.
Comment: This sequence change replaces histidine, which is basic and polar, with aspartic acid, which is acidic and polar, at codon 517 of the MLH3 protein (p.His517Asp). This variant is not present in population databases (gnomAD no frequency). This variant has not been reported in the literature in individuals affected with MLH3-related conditions. ClinVar contains an entry for this variant (Variation ID: 1979606). An algorithm developed to predict the effect of missense changes on protein structure and function (PolyPhen-2) suggests that this variant is likely to be tolerated. In summary, the available evidence is currently insufficient to determine the role of this variant in disease. Therefore, it has been classified as a Variant of Uncertain Significance.